The following is an entry in ClinVar:

ClinVar aggregate classification (germline): Uncertain significance (1 of 4 stars; one submission).

Conditions:
Neuromuscular disease caused by qualitative or quantitative defects of dysferlin. Also called: Qualitative or quantitative defects of dysferlin; Dysferlinopathy. Identifiers: Orphanet 207073, MedGen C2931687, MONDO:0016145.

Allele frequency attached by ClinVar (database versions not stated): ExAC 0.00001.

Submission:

Labcorp Genetics (formerly Invitae), Labcorp
Classification: Uncertain significance for Neuromuscular disease caused by qualitative or quantitative defects of dysferlin. Last evaluated: 2021-09-08. Review status: criteria provided, single submitter. Criteria: Invitae Variant Classification Sherloc (09022015). Collection method: clinical testing. Allele origin: germline.
Comment: This sequence change replaces tryptophan with glycine at codon 924 of the DYSF protein (p.Trp924Gly). The tryptophan residue is moderately conserved and there is a large physicochemical difference between tryptophan and glycine. This variant is present in population databases (rs780035723, ExAC 0.002%). This variant has not been reported in the literature in individuals affected with DYSF-related conditions. Advanced modeling of protein sequence and biophysical properties (such as structural, functional, and spatial information, amino acid conservation, physicochemical variation, residue mobility, and thermodynamic stability) performed at Invitae indicates that this missense variant is expected to disrupt DYSF protein function. In summary, the available evidence is currently insufficient to determine the role of this variant in disease. Therefore, it has been classified as a Variant of Uncertain Significance.

NM_001130987.2(DYSF):c.2824T>G (p.Trp942Gly)

Gene: DYSF (dysferlin; plus strand). Cytogenetic location: 2p13.2.
Variant type: single nucleotide variant.
Coding change: c.2824T>G on transcript NM_001130987.2 (MANE Select); coding-DNA position 2824, T replaced by G.
Protein change: p.Trp942Gly; replaces tryptophan 942 with glycine.
Molecular consequence: missense variant.
Genome position (GRCh38, 1-based): chr2:71,568,298, T>G. VCF-style: chr2-71568298-T-G. GRCh37 (hg19) VCF-style: chr2-71795428-T-G.
Other names: c.2773T>G, p.Trp925Gly (NM_001130455.2, NM_001130983.2); c.2728T>G, p.Trp910Gly (NM_001130976.2, NM_001130977.2); c.2770T>G, p.Trp924Gly (NM_001130978.2, NM_003494.4); c.2863T>G, p.Trp955Gly (NM_001130979.2); c.2821T>G, p.Trp941Gly (NM_001130980.2, NM_001130981.2); c.2866T>G, p.Trp956Gly (NM_001130982.2); c.2731T>G, p.Trp911Gly (NM_001130984.2, NM_001130986.2); c.2824T>G, p.Trp942Gly (NM_001130985.2); short protein forms W955G, W910G, W941G, W925G, W942G, W911G, W924G, W956G.
Identifiers: ClinVar variation 1388680 (VCV001388680.5), dbSNP rs780035723, ClinGen allele CA1706292.